The following is an entry in ClinVar:

ClinVar aggregate classification (germline): Uncertain significance (1 of 4 stars; one submission).

Conditions:
PHGDH deficiency. Identifiers: Orphanet 79351, MedGen C1866174, MONDO:0011152, OMIM 601815.

Allele frequency attached by ClinVar (database versions not stated): gnomAD exomes below 0.00001; ExAC 0.00001.
gnomAD v4.1: 8 of 1,613,984 alleles (0.0005%); highest among the groups gnomAD compares: East Asian, 0.0022%; no homozygotes.

Submission:

Labcorp Genetics (formerly Invitae), Labcorp
Classification: Uncertain significance for PHGDH deficiency. Last evaluated: 2022-08-15. Review status: criteria provided, single submitter. Criteria: Invitae Variant Classification Sherloc (09022015). Collection method: clinical testing. Allele origin: germline.
Comment: This sequence change replaces arginine, which is basic and polar, with cysteine, which is neutral and slightly polar, at codon 460 of the PHGDH protein (p.Arg460Cys). This variant is present in population databases (rs749406489, gnomAD 0.0009%). This variant has not been reported in the literature in individuals affected with PHGDH-related conditions. ClinVar contains an entry for this variant (Variation ID: 1444454). Algorithms developed to predict the effect of missense changes on protein structure and function output the following: SIFT: "Tolerated"; PolyPhen-2: "Benign"; Align-GVGD: "Class C0". The cysteine amino acid residue is found in multiple mammalian species, which suggests that this missense change does not adversely affect protein function. In summary, the available evidence is currently insufficient to determine the role of this variant in disease. Therefore, it has been classified as a Variant of Uncertain Significance.

NM_006623.4(PHGDH):c.1378C>T (p.Arg460Cys)

Gene: PHGDH (phosphoglycerate dehydrogenase; plus strand). Cytogenetic location: 1p12.
Variant type: single nucleotide variant.
Coding change: c.1378C>T on transcript NM_006623.4 (MANE Select); coding-DNA position 1378, C replaced by T.
Protein change: p.Arg460Cys; replaces arginine 460 with cysteine.
Molecular consequence: missense variant.
Genome position (GRCh38, 1-based): chr1:119,742,975, C>T. VCF-style: chr1-119742975-C-T. GRCh37 (hg19) VCF-style: chr1-120285598-C-T.
Other names: short protein forms R460C.
Identifiers: ClinVar variation 1444454 (VCV001444454.5), dbSNP rs749406489, ClinGen allele CA1037442.